The following is an entry in ClinVar:

ClinVar aggregate classification (germline): Pathogenic (1 of 4 stars; one submission).

Conditions:
Glanzmann thrombasthenia. Also called: PLATELET GLYCOPROTEIN IIb-IIIa DEFICIENCY; BLEEDING DISORDER, PLATELET-TYPE, 2; THROMBASTHENIA OF GLANZMANN AND NAEGELI; Thrombasthenia; Glanzmann's thrombasthenia. Identifiers: Orphanet 849, MedGen C0040015, MONDO:0100326.

Allele frequency attached by ClinVar (database versions not stated): gnomAD exomes below 0.00001.

Submission:

Labcorp Genetics (formerly Invitae), Labcorp
Classification: Pathogenic for Glanzmann thrombasthenia. Last evaluated: 2022-08-05. Review status: criteria provided, single submitter. Criteria: Invitae Variant Classification Sherloc (09022015). Collection method: clinical testing. Allele origin: germline.
Comment: For these reasons, this variant has been classified as Pathogenic. This variant has not been reported in the literature in individuals affected with ITGA2B-related conditions. This variant is not present in population databases (gnomAD no frequency). This sequence change creates a premature translational stop signal (p.Gln531Argfs*5) in the ITGA2B gene. It is expected to result in an absent or disrupted protein product. Loss-of-function variants in ITGA2B are known to be pathogenic (PMID: 21917754).

Literature cited by the submitters: PubMed 21917754.

NM_000419.5(ITGA2B):c.1590del (p.Gln531fs)

Gene: ITGA2B (integrin subunit alpha 2b; minus strand). Cytogenetic location: 17q21.31.
Variant type: Deletion.
Coding change: c.1590del on transcript NM_000419.5 (MANE Select); coding-DNA position 1590, one base deleted (T; older notation c.1590delT).
Protein change: p.Gln531fs; shifts the reading frame from glutamine 531.
Molecular consequence: frameshift variant.
Genome position (GRCh38, 1-based): chr17:44,380,256, A deleted on the plus strand (T on the coding strand, the reverse complement: ITGA2B is on the minus strand). VCF-style (leftmost placement, unchanged base first): chr17-44380255-GA-G. GRCh37 (hg19) VCF-style: chr17-42457623-GA-G.
Other names: short protein forms Q531fs.
Identifiers: ClinVar variation 2021770 (VCV002021770.4), dbSNP rs2510079522, ClinGen allele CA2580094056.